The following is an entry in ClinVar:

NM_020822.3(KCNT1):c.2620A>G (p.Ile874Val)

Gene: KCNT1 (potassium sodium-activated channel subfamily T member 1; plus strand). Cytogenetic location: 9q34.3.
Variant type: single nucleotide variant.
Coding change: c.2620A>G on transcript NM_020822.3 (MANE Select); coding-DNA position 2620, A replaced by G.
Protein change: p.Ile874Val; replaces isoleucine 874 with valine.
Molecular consequence: missense variant.
Genome position (GRCh38, 1-based): chr9:135,778,713, A>G. VCF-style: chr9-135778713-A-G. GRCh37 (hg19) VCF-style: chr9-138670559-A-G.
Other names: c.2485A>G, p.Ile829Val (NM_001272003.2); short protein forms I829V, I874V.
Identifiers: ClinVar variation 2927934 (VCV002927934.3), dbSNP rs768378336, ClinGen allele CA5327375.

ClinVar aggregate classification (germline): Uncertain significance (1 of 4 stars; one submission).

Conditions:
Autosomal dominant nocturnal frontal lobe epilepsy 5. Also called: KCNT1-Related Epilepsy; CILIARY DYSKINESIA, PRIMARY, 28, WITH SITUS INVERSUS; CILIARY DYSKINESIA, PRIMARY, 28, WITHOUT SITUS INVERSUS; Epilepsy, nocturnal frontal lobe, 5. Identifiers: Orphanet 98784, MedGen C3554306, MONDO:0014002, OMIM 615005.
Developmental and epileptic encephalopathy, 14 (DEE14). Also called: Early infantile epileptic encephalopathy 14. Identifiers: Orphanet 293181, MedGen C3554195, MONDO:0013989, OMIM 614959.

Allele frequency attached by ClinVar (database versions not stated): gnomAD exomes 0.00001; ExAC 0.00003.
gnomAD v4.1: 6 of 1,613,028 alleles (0.00037%); highest among the groups gnomAD compares: Non-Finnish European, 0.00051%; no homozygotes.

Submission:

Labcorp Genetics (formerly Invitae), Labcorp
Classification: Uncertain significance for Autosomal dominant nocturnal frontal lobe epilepsy 5; Developmental and epileptic encephalopathy, 14. Last evaluated: 2024-02-17. Review status: criteria provided, single submitter. Criteria: Invitae Variant Classification Sherloc (09022015). Collection method: clinical testing. Allele origin: germline.
Comment: This sequence change replaces isoleucine, which is neutral and non-polar, with valine, which is neutral and non-polar, at codon 874 of the KCNT1 protein (p.Ile874Val). This variant is present in population databases (rs768378336, gnomAD 0.007%). This variant has not been reported in the literature in individuals affected with KCNT1-related conditions. Advanced modeling of protein sequence and biophysical properties (such as structural, functional, and spatial information, amino acid conservation, physicochemical variation, residue mobility, and thermodynamic stability) performed at Invitae indicates that this missense variant is not expected to disrupt KCNT1 protein function with a negative predictive value of 80%. In summary, the available evidence is currently insufficient to determine the role of this variant in disease. Therefore, it has been classified as a Variant of Uncertain Significance.